The following is an entry in ClinVar:

NM_022124.6(CDH23):c.1063G>A (p.Val355Met)

Gene: CDH23 (cadherin related 23; plus strand). Cytogenetic location: 10q22.1.
Variant type: single nucleotide variant.
Coding change: c.1063G>A on transcript NM_022124.6 (MANE Select); coding-DNA position 1063, G replaced by A.
Protein change: p.Val355Met; replaces valine 355 with methionine.
Molecular consequence: missense variant.
Genome position (GRCh38, 1-based): chr10:71,617,322, G>A. VCF-style: chr10-71617322-G-A. GRCh37 (hg19) VCF-style: chr10-73377079-G-A.
Other names: c.1063G>A (NM_022124.5); c.1063G>A, p.Val355Met (NM_001171930.2, NM_001171931.2, NM_001171932.2 and 1 more transcripts); short protein forms V355M.
Identifiers: ClinVar variation 623739 (VCV000623739.46), dbSNP rs374571664, ClinGen allele CA5543630.

ClinVar aggregate classification (germline): Uncertain significance. Review status: criteria provided, multiple submitters, no conflicts (2 of 4 stars). 4 submissions from 4 submitters: Uncertain significance (4). Last evaluated 2026-04-21.

Conditions:
CDH23-related disorder. Also called: CDH23-related disorders; CDH23-related condition.

Allele frequency attached by ClinVar (database versions not stated): gnomAD 0.00003 and 0.00004; gnomAD exomes 0.00003 and 0.00007; TOPMed 0.00005; ExAC 0.00006; ESP Exome Variant Server 0.00015; 1000 Genomes Project 30x 0.00016; 1000 Genomes Project 0.00020.
gnomAD v4.1: 48 of 1,613,954 alleles (0.003%); highest among the groups gnomAD compares: Admixed American, 0.01%; no homozygotes.

Submissions (4):

PreventionGenetics, part of Exact Sciences
Classification: Uncertain significance for CDH23-related condition. Last evaluated: 2026-04-21. Review status: criteria provided, single submitter. Criteria: ACMG Guidelines, 2015. Collection method: clinical testing. Allele origin: germline.
Comment: The CDH23 c.1063G>A variant is predicted to result in the amino acid substitution p.Val355Met. To our knowledge, this variant has not been reported in the literature. This variant is reported in 0.017% of alleles in individuals of Latino descent in gnomAD. At this time, the clinical significance of this variant is uncertain due to the absence of conclusive functional and genetic evidence.

Blueprint Genetics
Classification: Uncertain significance. Last evaluated: 2023-09-30. Review status: criteria provided, single submitter. Criteria: ACMG Guidelines, 2015. Collection method: clinical testing. Allele origin: germline.

Labcorp Genetics (formerly Invitae), Labcorp
Classification: Uncertain significance. Last evaluated: 2022-08-09. Review status: criteria provided, single submitter. Criteria: Invitae Variant Classification Sherloc (09022015). Collection method: clinical testing. Allele origin: germline.
Comment: This sequence change replaces valine, which is neutral and non-polar, with methionine, which is neutral and non-polar, at codon 355 of the CDH23 protein (p.Val355Met). This variant is present in population databases (rs374571664, gnomAD 0.02%). This variant has not been reported in the literature in individuals affected with CDH23-related conditions. ClinVar contains an entry for this variant (Variation ID: 623739). Algorithms developed to predict the effect of missense changes on protein structure and function are either unavailable or do not agree on the potential impact of this missense change (SIFT: "Deleterious"; PolyPhen-2: "Not Available"; Align-GVGD: "Class C15"). In summary, the available evidence is currently insufficient to determine the role of this variant in disease. Therefore, it has been classified as a Variant of Uncertain Significance.

CeGaT Center for Human Genetics Tuebingen
Classification: Uncertain significance. Last evaluated: 2018-06-01. Review status: criteria provided, single submitter. Criteria: CeGaT Center For Human Genetics Tuebingen Variant Classification Criteria Version 2. Collection method: clinical testing. Allele origin: germline. Affected: yes. Observed: 1 variant allele.